The following is an entry in ClinVar:

NM_001378457.1(DMXL2):c.2497A>G (p.Ile833Val)

Gene: DMXL2 (Dmx like 2; minus strand). Cytogenetic location: 15q21.2.
Variant type: single nucleotide variant.
Coding change: c.2497A>G on transcript NM_001378457.1 (MANE Select); coding-DNA position 2497, A replaced by G.
Protein change: p.Ile833Val; replaces isoleucine 833 with valine.
Molecular consequence: missense variant. On other transcripts: non-coding transcript variant (2).
Genome position (GRCh38, 1-based): chr15:51,517,107, T>C on the plus strand (A>G on the coding strand, the complement: DMXL2 is on the minus strand). VCF-style: chr15-51517107-T-C. GRCh37 (hg19) VCF-style: chr15-51809304-T-C.
Other names: c.2497A>G, p.Ile833Val (NM_001174116.3, NM_001174117.3, NM_001378458.1 and 6 more transcripts); c.2257A>G, p.Ile753Val (NM_001378464.1); short protein forms I833V, I753V.
Identifiers: ClinVar variation 1935527 (VCV001935527.5), dbSNP rs1283048770, ClinGen allele CA392440724.

ClinVar aggregate classification (germline): Uncertain significance (1 of 4 stars; one submission).

Allele frequency attached by ClinVar (database versions not stated): gnomAD exomes below 0.00001; TOPMed below 0.00001; gnomAD 0.00002.
gnomAD v4.1: 5 of 1,614,004 alleles (0.00031%); highest among the groups gnomAD compares: Non-Finnish European, 0.00042%; no homozygotes.

Submission:

Labcorp Genetics (formerly Invitae), Labcorp
Classification: Uncertain significance. Last evaluated: 2025-03-27. Review status: criteria provided, single submitter. Criteria: Invitae Variant Classification Sherloc (09022015). Collection method: clinical testing. Allele origin: germline.
Comment: This sequence change replaces isoleucine, which is neutral and non-polar, with valine, which is neutral and non-polar, at codon 833 of the DMXL2 protein (p.Ile833Val). This variant is present in population databases (no rsID available, gnomAD 0.03%). This variant has not been reported in the literature in individuals affected with DMXL2-related conditions. ClinVar contains an entry for this variant (Variation ID: 1935527). An algorithm developed to predict the effect of missense changes on protein structure and function (PolyPhen-2) suggests that this variant is likely to be tolerated. In summary, the available evidence is currently insufficient to determine the role of this variant in disease. Therefore, it has been classified as a Variant of Uncertain Significance.